The following is an entry in ClinVar:

ClinVar aggregate classification (germline): Uncertain significance (1 of 4 stars; one submission).

Submission:

Labcorp Genetics (formerly Invitae), Labcorp
Classification: Uncertain significance. Last evaluated: 2022-03-25. Review status: criteria provided, single submitter. Criteria: Invitae Variant Classification Sherloc (09022015). Collection method: clinical testing. Allele origin: germline.
Comment: This sequence change replaces serine, which is neutral and polar, with arginine, which is basic and polar, at codon 162 of the GATA5 protein (p.Ser162Arg). In summary, the available evidence is currently insufficient to determine the role of this variant in disease. Therefore, it has been classified as a Variant of Uncertain Significance. Algorithms developed to predict the effect of missense changes on protein structure and function output the following: SIFT: "Tolerated"; PolyPhen-2: "Probably Damaging"; Align-GVGD: "Class C0". The arginine amino acid residue is found in multiple mammalian species, which suggests that this missense change does not adversely affect protein function. This variant has not been reported in the literature in individuals affected with GATA5-related conditions. This variant is not present in population databases (gnomAD no frequency).

NM_080473.5(GATA5):c.486C>A (p.Ser162Arg)

Gene: GATA5 (GATA binding protein 5; minus strand). Cytogenetic location: 20q13.33.
Variant type: single nucleotide variant.
Coding change: c.486C>A on transcript NM_080473.5 (MANE Select); coding-DNA position 486, C replaced by A.
Protein change: p.Ser162Arg; replaces serine 162 with arginine.
Molecular consequence: missense variant.
Genome position (GRCh38, 1-based): chr20:62,475,036, G>T on the plus strand (C>A on the coding strand, the complement: GATA5 is on the minus strand). VCF-style: chr20-62475036-G-T. GRCh37 (hg19) VCF-style: chr20-61050092-G-T.
Other names: short protein forms S162R.
Identifiers: ClinVar variation 2060001 (VCV002060001.4), dbSNP rs2516446469, ClinGen allele CA409556263.